The following is an entry in ClinVar:

NM_001128178.3(NPHP1):c.1220del (p.Ser407fs)

Gene: NPHP1 (nephrocystin 1; minus strand). Cytogenetic location: 2q13.
Variant type: Deletion.
Coding change: c.1220del on transcript NM_001128178.3 (MANE Select); coding-DNA position 1220, one base deleted (C; older notation c.1220delC).
Protein change: p.Ser407fs; shifts the reading frame from serine 407.
Molecular consequence: frameshift variant.
Genome position (GRCh38, 1-based): chr2:110,147,965, G deleted on the plus strand (C on the coding strand, the reverse complement: NPHP1 is on the minus strand). VCF-style (leftmost placement, unchanged base first): chr2-110147964-AG-A. GRCh37 (hg19) VCF-style: chr2-110905541-AG-A.
Other names: c.1388del, p.Ser463fs (NM_000272.5); c.1031del, p.Ser344fs (NM_001128179.3); c.1217del, p.Ser406fs (NM_001374256.1); c.1220del, p.Ser407fs (NM_001374257.1); c.1385del, p.Ser462fs (NM_207181.4); short protein forms S407fs, S462fs, S463fs, S344fs, S406fs.
Identifiers: ClinVar variation 3659453 (VCV003659453.2).

ClinVar aggregate classification (germline): Pathogenic (1 of 4 stars; one submission).

Conditions:
Nephronophthisis. Also called: Juvenile Nephronophthisis. Identifiers: Orphanet 655, MedGen C0687120, MONDO:0019005, HP:0000090.

Submission:

Labcorp Genetics (formerly Invitae), Labcorp
Classification: Pathogenic for Nephronophthisis. Last evaluated: 2024-07-13. Review status: criteria provided, single submitter. Criteria: Invitae Variant Classification Sherloc (09022015). Collection method: clinical testing. Allele origin: germline.
Comment: This sequence change creates a premature translational stop signal (p.Ser463Phefs*25) in the NPHP1 gene. It is expected to result in an absent or disrupted protein product. Loss-of-function variants in NPHP1 are known to be pathogenic (PMID: 23559409). This variant is not present in population databases (gnomAD no frequency). This variant has not been reported in the literature in individuals affected with NPHP1-related conditions. Algorithms developed to predict the effect of sequence changes on RNA splicing suggest that this variant may disrupt the consensus splice site. For these reasons, this variant has been classified as Pathogenic.

Literature cited by the submitters: PubMed 23559409.